The following is an entry in ClinVar:

ClinVar aggregate classification (germline): Conflicting classifications of pathogenicity. Review status: criteria provided, conflicting classifications (1 of 4 stars). 2 submissions from 2 submitters: Uncertain significance (1); Benign (1). Last evaluated 2025-10-26.

Conditions:
RAI1-related disorder. Also called: RAI1-related condition.

Allele frequency attached by ClinVar (database versions not stated): gnomAD 0.00001; TOPMed 0.00001; ExAC 0.00002.

Submissions (2):

Labcorp Genetics (formerly Invitae), Labcorp
Classification: Benign. Last evaluated: 2025-10-26. Review status: criteria provided, single submitter. Criteria: Invitae Variant Classification Sherloc (09022015). Collection method: clinical testing. Allele origin: germline.

PreventionGenetics, part of Exact Sciences
Classification: Uncertain significance for RAI1-related condition. Last evaluated: 2025-05-06. Review status: criteria provided, single submitter. Criteria: ACMG Guidelines, 2015. Collection method: clinical testing. Allele origin: germline.
Comment: The RAI1 c.455C>T variant is predicted to result in the amino acid substitution p.Pro152Leu. To our knowledge, this variant has not been reported in the literature. This variant is reported in 0.012% of alleles in individuals of African descent in gnomAD. Although we suspect that this variant may be benign, at this time, the clinical significance of this variant is uncertain due to the absence of conclusive functional and genetic evidence.

NM_030665.4(RAI1):c.455C>T (p.Pro152Leu)

Gene: RAI1 (retinoic acid induced 1; plus strand). Cytogenetic location: 17p11.2.
Variant type: single nucleotide variant.
Coding change: c.455C>T on transcript NM_030665.4 (MANE Select); coding-DNA position 455, C replaced by T.
Protein change: p.Pro152Leu; replaces proline 152 with leucine.
Molecular consequence: missense variant.
Genome position (GRCh38, 1-based): chr17:17,793,403, C>T. VCF-style: chr17-17793403-C-T. GRCh37 (hg19) VCF-style: chr17-17696717-C-T.
Other names: c.455C>T (NM_030665.3); short protein forms P152L.
Identifiers: ClinVar variation 2009610 (VCV002009610.5), dbSNP rs763808276, ClinGen allele CA8418127.